The following is an entry in ClinVar:

NM_000059.4(BRCA2):c.2549A>C (p.Gln850Pro)

Gene: BRCA2 (BRCA2 DNA repair associated; plus strand). Cytogenetic location: 13q13.1.
Variant type: single nucleotide variant.
Coding change: c.2549A>C on transcript NM_000059.4 (MANE Select); coding-DNA position 2549, A replaced by C.
Protein change: p.Gln850Pro; replaces glutamine 850 with proline.
Molecular consequence: missense variant.
Genome position (GRCh38, 1-based): chr13:32,336,904, A>C. VCF-style: chr13-32336904-A-C. GRCh37 (hg19) VCF-style: chr13-32911041-A-C.
Other names: short protein forms Q850P.
Identifiers: ClinVar variation 947320 (VCV000947320.13), dbSNP rs2072459937, ClinGen allele CA387772518.

ClinVar aggregate classification (germline): Conflicting classifications of pathogenicity. Review status: criteria provided, conflicting classifications (1 of 4 stars). 3 submissions from 3 submitters: Uncertain significance (2); Likely benign (1). Last evaluated 2025-09-09.

Conditions:
Hereditary breast ovarian cancer syndrome. Also called: Hereditary breast and/or ovarian cancer syndrome; Hereditary breast and ovarian cancer syndrome; Hereditary breast and ovarian cancer syndrome (HBOC); Breast and ovarian cancer; BRCA1- and BRCA2-Associated Hereditary Breast and Ovarian Cancer; Hereditary breast and ovarian cancer. Identifiers: Orphanet 145, MedGen C0677776, MeSH D061325, MONDO:0003582. Disease mechanism: loss of function.
Hereditary cancer-predisposing syndrome. Also called: Hereditary neoplastic syndrome; Neoplastic Syndromes, Hereditary; Tumor predisposition; Hereditary Cancer Syndrome. Identifiers: Orphanet 140162, MedGen C0027672, MeSH D009386, MONDO:0015356.

Submissions (3):

Labcorp Genetics (formerly Invitae), Labcorp
Classification: Uncertain significance for Hereditary breast ovarian cancer syndrome. Last evaluated: 2025-09-09. Review status: criteria provided, single submitter. Criteria: Invitae Variant Classification Sherloc (09022015). Collection method: clinical testing. Allele origin: germline.
Comment: This sequence change replaces glutamine, which is neutral and polar, with proline, which is neutral and non-polar, at codon 850 of the BRCA2 protein (p.Gln850Pro). This variant is not present in population databases (gnomAD no frequency). This variant has not been reported in the literature in individuals affected with BRCA2-related conditions. ClinVar contains an entry for this variant (Variation ID: 947320). Invitae Evidence Modeling of protein sequence and biophysical properties (such as structural, functional, and spatial information, amino acid conservation, physicochemical variation, residue mobility, and thermodynamic stability) indicates that this missense variant is not expected to disrupt BRCA2 protein function with a negative predictive value of 95%. In summary, the available evidence is currently insufficient to determine the role of this variant in disease. Therefore, it has been classified as a Variant of Uncertain Significance.

University of Washington Department of Laboratory Medicine, University of Washington
Classification: Likely benign for Hereditary cancer-predisposing syndrome. Last evaluated: 2023-03-23. Review status: criteria provided, single submitter. Criteria: Dines et al. (Genet Med. 2020). Collection method: curation. Allele origin: germline.
Comment: Missense variant in a coldspot region where missense variants are very unlikely to be pathogenic (PMID:31911673).

BRCA2 exon 11 coldspot. Reclassification based on statistical prior probability.

Ambry Genetics
Classification: Uncertain significance for Hereditary cancer-predisposing syndrome. Last evaluated: 2020-10-05. Review status: criteria provided, single submitter. Criteria: Ambry Variant Classification Scheme 2023. Collection method: clinical testing. Allele origin: germline.
Comment: The p.Q850P variant (also known as c.2549A>C), located in coding exon 10 of the BRCA2 gene, results from an A to C substitution at nucleotide position 2549. The glutamine at codon 850 is replaced by proline, an amino acid with similar properties. This amino acid position is not well conserved in available vertebrate species. In addition, this alteration is predicted to be tolerated by in silico analysis. Since supporting evidence is limited at this time, the clinical significance of this alteration remains unclear.